The following is an entry in ClinVar:

ClinVar aggregate classification (germline): Likely benign (1 of 4 stars; one submission).

Conditions:
FOXL2-related disorder. Also called: FOXL2-related condition.

Submission:

PreventionGenetics, part of Exact Sciences
Classification: Likely benign for FOXL2-related condition. Last evaluated: 2026-07-09. Review status: criteria provided, single submitter. Criteria: ACMG Guidelines, 2015. Collection method: clinical testing. Allele origin: germline.
Comment: This variant is classified as likely benign based on ACMG/AMP sequence variant interpretation guidelines (Richards et al. 2015 PMID: 25741868, with internal and published modifications).

NM_023067.4(FOXL2):c.852C>T (p.Pro284=)

Gene: FOXL2 (forkhead box L2; minus strand). Cytogenetic location: 3q22.3.
Variant type: single nucleotide variant.
Coding change: c.852C>T on transcript NM_023067.4 (MANE Select); coding-DNA position 852, C replaced by T.
Protein change: p.Pro284=; no amino-acid change (proline 284 retained).
Molecular consequence: synonymous variant.
Genome position (GRCh38, 1-based): chr3:138,945,871, G>A on the plus strand (C>T on the coding strand, the complement: FOXL2 is on the minus strand). VCF-style: chr3-138945871-G-A. GRCh37 (hg19) VCF-style: chr3-138664713-G-A.
Identifiers: ClinVar variation 4981508 (VCV004981508.1).